The following is an entry in ClinVar:

NM_001231.5(CASQ1):c.638C>T (p.Thr213Ile)

Gene: CASQ1 (calsequestrin 1; plus strand). Cytogenetic location: 1q23.2.
Variant type: single nucleotide variant.
Coding change: c.638C>T on transcript NM_001231.5 (MANE Select); coding-DNA position 638, C replaced by T.
Protein change: p.Thr213Ile; replaces threonine 213 with isoleucine.
Molecular consequence: missense variant.
Genome position (GRCh38, 1-based): chr1:160,195,521, C>T. VCF-style: chr1-160195521-C-T. GRCh37 (hg19) VCF-style: chr1-160165311-C-T.
Other names: short protein forms T213I.
Identifiers: ClinVar variation 2180928 (VCV002180928.4), dbSNP rs756193352, ClinGen allele CA1196265.
Genomic context (GRCh38, chr1:160,195,521, plus strand): 5'-ATTACAAAGCCTTCGAGGATGCAGCTGAGGAGTTTCATCCCTACATCCCCTTCTTCGCCA[C>T]CTTCGACAGCAAGGTTCTCCTCCCCGCAGCTGTATTGGTTCTGCCTCATGTCCTGAAGCT-3'
Protein context (NP_001222.3, residues 203-223): EFHPYIPFFA[Thr213Ile]FDSKVAKKLT

ClinVar aggregate classification (germline): Uncertain significance (1 of 4 stars; one submission).

Allele frequency attached by ClinVar (database versions not stated): gnomAD exomes below 0.00001; ExAC 0.00001; TOPMed 0.00002.
gnomAD v4.1: 3 of 1,613,924 alleles (0.00019%); highest among the groups gnomAD compares: Admixed American, 0.0017%; no homozygotes.

Submission:

Labcorp Genetics (formerly Invitae), Labcorp
Classification: Uncertain significance. Last evaluated: 2023-07-10. Review status: criteria provided, single submitter. Criteria: Invitae Variant Classification Sherloc (09022015). Collection method: clinical testing. Allele origin: germline.
Comment: In summary, the available evidence is currently insufficient to determine the role of this variant in disease. Therefore, it has been classified as a Variant of Uncertain Significance. Advanced modeling of protein sequence and biophysical properties (such as structural, functional, and spatial information, amino acid conservation, physicochemical variation, residue mobility, and thermodynamic stability) performed at Invitae indicates that this missense variant is not expected to disrupt CASQ1 protein function. ClinVar contains an entry for this variant (Variation ID: 2180928). This variant has not been reported in the literature in individuals affected with CASQ1-related conditions. This variant is present in population databases (rs756193352, gnomAD 0.0009%). This sequence change replaces threonine, which is neutral and polar, with isoleucine, which is neutral and non-polar, at codon 213 of the CASQ1 protein (p.Thr213Ile).